The following is an entry in ClinVar:

ClinVar aggregate classification (germline): Pathogenic/Likely pathogenic. Review status: criteria provided, multiple submitters, no conflicts (2 of 4 stars). 3 submissions from 3 submitters: Pathogenic (1); Likely pathogenic (2). Last evaluated 2024-02-01.

Conditions:
Hereditary cancer-predisposing syndrome. Also called: Hereditary Cancer Syndrome; Neoplastic Syndromes, Hereditary; Tumor predisposition; Hereditary neoplastic syndrome. Identifiers: Orphanet 140162, MedGen C0027672, MeSH D009386, MONDO:0015356.
Ataxia-telangiectasia syndrome (AT). Also called: Cerebello-oculocutaneous telangiectasia; Immunodeficiency with ataxia telangiectasia; Ataxia-telangiectasia, complementation group E; Ataxia-telangiectasia, complementation group D; AT, COMPLEMENTATION GROUP C; ATAXIA-TELANGIECTASIA, COMPLEMENTATION GROUP A. Identifiers: Orphanet 100, MedGen C0004135, MONDO:0008840, OMIM 208900.
Familial cancer of breast. Also called: BREAST CANCER, FAMILIAL; Hereditary breast cancer; hereditary breast carcinoma. Identifiers: Orphanet 227535, MedGen C0346153, MONDO:0016419, OMIM 114480. Disease mechanism: loss of function.

Allele frequency attached by ClinVar (database versions not stated): gnomAD exomes below 0.00001; ExAC 0.00001.
gnomAD v4.1: 1 of 1,610,042 alleles (0.000062%); highest among the groups gnomAD compares: Non-Finnish European, 0.000085%; no homozygotes.

Submissions (3):

Myriad Genetics, Inc.
Classification: Likely pathogenic for Familial cancer of breast. Last evaluated: 2024-02-01. Review status: criteria provided, single submitter. Criteria: Myriad Autosomal Dominant, Autosomal Recessive and X-Linked Classification Criteria (2023). Collection method: clinical testing. Allele origin: unknown.
Comment: This variant is considered likely pathogenic. This variant occurs within a consensus splice junction and is predicted to result in abnormal mRNA splicing of either an out-of-frame exon or an in-frame exon necessary for protein stability and/or normal function.

Labcorp Genetics (formerly Invitae), Labcorp
Classification: Pathogenic for Ataxia-telangiectasia syndrome. Last evaluated: 2022-08-25. Review status: criteria provided, single submitter. Criteria: Invitae Variant Classification Sherloc (09022015). Collection method: clinical testing. Allele origin: germline.
Comment: This variant is present in population databases (rs777602049, gnomAD 0.0009%). For these reasons, this variant has been classified as Pathogenic. This variant disrupts a region of the ATM protein in which other variant(s) (p.Gln2730Pro) have been determined to be pathogenic (PMID: 16189143, 19431188, 22869595). This suggests that this is a clinically significant region of the protein, and that variants that disrupt it are likely to be disease-causing. Studies have shown that disruption of this splice site is associated with altered splicing resulting in multiple RNA products (Invitae). ClinVar contains an entry for this variant (Variation ID: 490728). This variant has not been reported in the literature in individuals affected with ATM-related conditions. This sequence change affects an acceptor splice site in intron 55 of the ATM gene. It is expected to disrupt RNA splicing. Variants that disrupt the donor or acceptor splice site typically lead to a loss of protein function (PMID: 16199547), and loss-of-function variants in ATM are known to be pathogenic (PMID: 23807571, 25614872).

Color Diagnostics, LLC DBA Color Health
Classification: Likely pathogenic for Hereditary cancer-predisposing syndrome. Last evaluated: 2020-03-16. Review status: criteria provided, single submitter. Criteria: ACMG Guidelines, 2015. Collection method: clinical testing. Allele origin: germline.
Comment: This variant causes an A to G nucleotide substitution at the -2 position of intron 55 of the ATM gene. Splice site prediction tools predict that this variant may have a significant impact on RNA splicing. To our knowledge, functional studies have not been reported for this variant. This variant has not been reported in individuals affected with hereditary cancer in the literature. This variant has been identified in 1/250794 chromosomes in the general population by the Genome Aggregation Database (gnomAD). Loss of ATM function is a known mechanism of disease. Based on the available evidence, this variant is classified as Likely Pathogenic.

Literature cited by the submitters: PubMed 16189143 (cited by Labcorp Genetics (formerly Invitae), Labcorp); PubMed 19431188 (cited by Labcorp Genetics (formerly Invitae), Labcorp); PubMed 22869595 (cited by Labcorp Genetics (formerly Invitae), Labcorp); PubMed 16199547 (cited by Labcorp Genetics (formerly Invitae), Labcorp); PubMed 23807571 (cited by Labcorp Genetics (formerly Invitae), Labcorp); PubMed 25614872 (cited by Labcorp Genetics (formerly Invitae), Labcorp).

NM_000051.4(ATM):c.8152-2A>G

Genes: ATM (ATM serine/threonine kinase; plus strand), C11orf65 (chromosome 11 open reading frame 65; minus strand). Cytogenetic location: 11q22.3.
Variant type: single nucleotide variant.
Coding change: c.8152-2A>G on transcript NM_000051.4 (MANE Select); the canonical splice acceptor site of the intron before coding-DNA position 8152, A replaced by G.
Molecular consequence: splice acceptor variant. On other transcripts: intron variant (2).
Genome position (GRCh38, 1-based): chr11:108,335,843, A>G. VCF-style: chr11-108335843-A-G. GRCh37 (hg19) VCF-style: chr11-108206570-A-G.
Other names: c.8152-2A>G (NM_001351834.2); c.641-26772T>C (NM_001330368.2); c.695-551T>C (NM_001351110.2).
Identifiers: ClinVar variation 490728 (VCV000490728.13), dbSNP rs777602049, ClinGen allele CA6266312.
Genomic context (GRCh38, chr11:108,335,843, plus strand): 5'-GACTCTGTGTTTTTATAATAAAATAAACTGTACTTGTTTATTCATGCTTAATTATTCTGA[A>G]GGGCCGTGATGACCTGAGACAAGATGCTGTCATGCAACAGGTCTTCCAGATGTGTAATAC-3'